The following is an entry in ClinVar:

ClinVar aggregate classification (germline): Uncertain significance. Review status: criteria provided, multiple submitters, no conflicts (2 of 4 stars). 2 submissions from 2 submitters: Uncertain significance (2). Last evaluated 2025-06-01.

Conditions:
Inborn genetic diseases. Identifiers: MedGen C0950123, MeSH D030342.

Submissions (2):

CeGaT Center for Human Genetics Tuebingen
Classification: Uncertain significance. Last evaluated: 2025-06-01. Review status: criteria provided, single submitter. Criteria: CeGaT Center For Human Genetics Tuebingen Variant Classification Criteria Version 2. Collection method: clinical testing. Allele origin: germline. Affected: yes. Observed: 1 variant allele.
Comment: FLG: PM2, BP4

Ambry Genetics
Classification: Uncertain significance for Inborn genetic diseases. Last evaluated: 2024-12-10. Review status: criteria provided, single submitter. Criteria: Ambry Variant Classification Scheme 2023. Collection method: clinical testing. Allele origin: germline.

NM_002016.2(FLG):c.8675G>A (p.Ser2892Asn)

Genes: CCDST (cervical cancer associated DHX9 suppressive transcript; plus strand), FLG (filaggrin; minus strand). Cytogenetic location: 1q21.3.
Variant type: single nucleotide variant.
Coding change: c.8675G>A on transcript NM_002016.2 (MANE Select); coding-DNA position 8675, G replaced by A.
Protein change: p.Ser2892Asn; replaces serine 2892 with asparagine.
Molecular consequence: missense variant.
Genome position (GRCh38, 1-based): chr1:152,306,211, C>T on the plus strand (G>A on the coding strand, the complement: FLG is on the minus strand). VCF-style: chr1-152306211-C-T. GRCh37 (hg19) VCF-style: chr1-152278687-C-T.
Other names: short protein forms S2892N.
Identifiers: ClinVar variation 3515705 (VCV003515705.11).